The following is an entry in ClinVar:

ClinVar aggregate classification (germline): Likely pathogenic (1 of 4 stars; one submission).

Submission:

GeneDx
Classification: Likely pathogenic. Last evaluated: 2024-11-17. Review status: criteria provided, single submitter. Criteria: GeneDx Variant Classification Process June 2021. Collection method: clinical testing. Allele origin: germline. Affected: yes.
Comment: Nonsense variant predicted to result in protein truncation or nonsense mediated decay in a gene for which loss of function is a known mechanism of disease; Not observed at significant frequency in large population cohorts (gnomAD); Has not been previously published as pathogenic or benign to our knowledge

NM_024422.6(DSC2):c.706G>T (p.Glu236Ter)

Gene: DSC2 (desmocollin 2; minus strand). Cytogenetic location: 18q12.1.
Variant type: single nucleotide variant.
Coding change: c.706G>T on transcript NM_024422.6 (MANE Select); coding-DNA position 706, G replaced by T.
Protein change: p.Glu236Ter; replaces glutamic acid 236 with a stop codon.
Molecular consequence: nonsense.
Genome position (GRCh38, 1-based): chr18:31,087,738, C>A on the plus strand (G>T on the coding strand, the complement: DSC2 is on the minus strand). VCF-style: chr18-31087738-C-A. GRCh37 (hg19) VCF-style: chr18-28667701-C-A.
Other names: c.277G>T, p.Glu93Ter (NM_001406506.1, NM_001406507.1); c.706G>T, p.Glu236Ter (NM_004949.5); short protein forms E236*, E93*.
Identifiers: ClinVar variation 3899575 (VCV003899575.1).